The following is an entry in ClinVar:

ClinVar aggregate classification (germline): Likely benign. Review status: criteria provided, single submitter (1 of 4 stars). 2 submissions from 2 submitters: Likely benign (1). 1 of the submissions does not count toward it. Last evaluated 2024-04-06.

Conditions:
IRF7-related disorder. Also called: IRF7-related condition.
Immunodeficiency 39 (IMD39). Identifiers: Orphanet 574918, MedGen C4225358, MONDO:0014597, OMIM 616345.

Allele frequency attached by ClinVar (database versions not stated): TOPMed 0.00006; gnomAD exomes 0.00003 and 0.00006; ExAC 0.00003; gnomAD 0.00011.

Submissions (2):

Labcorp Genetics (formerly Invitae), Labcorp
Classification: Likely benign for Immunodeficiency 39. Last evaluated: 2024-04-06. Review status: criteria provided, single submitter. Criteria: Invitae Variant Classification Sherloc (09022015). Collection method: clinical testing. Allele origin: germline.

PreventionGenetics, part of Exact Sciences
Classification: Likely benign for IRF7-related condition. Last evaluated: 2019-04-25. Review status: no assertion criteria provided. Collection method: clinical testing. Allele origin: germline. Not counted in ClinVar's aggregate classification.
Comment: This variant is classified as likely benign based on ACMG/AMP sequence variant interpretation guidelines (Richards et al. 2015 PMID: 25741868, with internal and published modifications).

NM_001572.5(IRF7):c.1017C>T (p.Asp339=)

Gene: IRF7 (interferon regulatory factor 7; minus strand). Cytogenetic location: 11p15.5.
Variant type: single nucleotide variant.
Coding change: c.1017C>T on transcript NM_001572.5 (MANE Select); coding-DNA position 1017, C replaced by T.
Protein change: p.Asp339=; no amino-acid change (aspartic acid 339 retained).
Molecular consequence: synonymous variant.
Genome position (GRCh38, 1-based): chr11:613,426, G>A on the plus strand (C>T on the coding strand, the complement: IRF7 is on the minus strand). VCF-style: chr11-613426-G-A. GRCh37 (hg19) VCF-style: chr11-613426-G-A.
Other names: c.930C>T, p.Asp310= (NM_004029.4); c.1056C>T, p.Asp352= (NM_004031.4).
Identifiers: ClinVar variation 741371 (VCV000741371.11), dbSNP rs766500158, ClinGen allele CA5783607.